The following is an entry in ClinVar:

ClinVar aggregate classification (germline): Uncertain significance. Review status: criteria provided, single submitter (1 of 4 stars). 2 submissions from 2 submitters: Uncertain significance (1). 1 of the submissions does not count toward it. Last evaluated 2021-10-08.

Conditions:
ABCC2-related disorder. Also called: ABCC2-related condition.

Allele frequency attached by ClinVar (database versions not stated): gnomAD 0.00001; gnomAD exomes 0.00001 and 0.00002; TOPMed 0.00001.
gnomAD v4.1: 5 of 1,614,082 alleles (0.00031%); highest among the groups gnomAD compares: Admixed American, 0.0083%; no homozygotes.

Submissions (2):

Mayo Clinic Laboratories, Mayo Clinic
Classification: Uncertain significance. Last evaluated: 2021-10-08. Review status: criteria provided, single submitter. Criteria: ACMG Guidelines, 2015. Collection method: clinical testing. Allele origin: germline.

PreventionGenetics, part of Exact Sciences
Classification: Uncertain significance for ABCC2-related condition. Last evaluated: 2024-04-14. Review status: no assertion criteria provided. Collection method: clinical testing. Allele origin: germline. Not counted in ClinVar's aggregate classification.
Comment: The ABCC2 c.4220G>C variant is predicted to result in the amino acid substitution p.Trp1407Ser. To our knowledge, this variant has not been reported in the literature. This variant is reported in 0.012% of alleles in individuals of Latino descent in gnomAD. At this time, the clinical significance of this variant is uncertain due to the absence of conclusive functional and genetic evidence.

NM_000392.5(ABCC2):c.4220G>C (p.Trp1407Ser)

Gene: ABCC2 (ATP binding cassette subfamily C member 2; plus strand). Cytogenetic location: 10q24.2.
Variant type: single nucleotide variant.
Coding change: c.4220G>C on transcript NM_000392.5 (MANE Select); coding-DNA position 4220, G replaced by C.
Protein change: p.Trp1407Ser; replaces tryptophan 1407 with serine.
Molecular consequence: missense variant.
Genome position (GRCh38, 1-based): chr10:99,847,034, G>C. VCF-style: chr10-99847034-G-C. GRCh37 (hg19) VCF-style: chr10-101606791-G-C.
Other names: p.Trp1407Ser; c.4220G>C (NM_000392.4); short protein forms W1407S.
Identifiers: ClinVar variation 1694042 (VCV001694042.5), dbSNP rs1197522109, ClinGen allele CA378129104.
Genomic context (GRCh38, chr10:99,847,034, plus strand): 5'-TCTCTGGAAGCCTGAGGATGAATCTCGACCCTTTCAACAACTACTCAGATGAGGAGATTT[G>C]GAAGGCCTTGGAGCTGGCTCACCTCAAGTCTTTTGTGGCCAGCCTGCAACTTGGGTTATC-3'
Protein context (NP_000383.2, residues 1397-1417): PFNNYSDEEI[Trp1407Ser]KALELAHLKS